The following is an entry in ClinVar:

NM_005475.3(SH2B3):c.1264G>T (p.Gly422Cys)

Gene: SH2B3 (SH2B adaptor protein 3; plus strand). Cytogenetic location: 12q24.12.
Variant type: single nucleotide variant.
Coding change: c.1264G>T on transcript NM_005475.3 (MANE Select); coding-DNA position 1264, G replaced by T.
Protein change: p.Gly422Cys; replaces glycine 422 with cysteine.
Molecular consequence: missense variant.
Genome position (GRCh38, 1-based): chr12:111,447,683, G>T. VCF-style: chr12-111447683-G-T. GRCh37 (hg19) VCF-style: chr12-111885487-G-T.
Other names: c.658G>T, p.Gly220Cys (NM_001291424.1); short protein forms G422C, G220C.
Identifiers: ClinVar variation 3795168 (VCV003795168.1).
Genomic context (GRCh38, chr12:111,447,683, plus strand): 5'-ACAGCCCGAGCCCACCATCCTCTCCTCCCACAGCACCTGCGCCTGTCGCTGACAGAGCGG[G>T]GCCAGTGCCGTGTGCAGCACCTCCACTTTCCCTCGGTCGTGGACATGCTCCACCACTTCC-3'
Protein context (NP_005466.1, residues 412-432): KHLRLSLTER[Gly422Cys]QCRVQHLHFP

ClinVar aggregate classification (germline): Uncertain significance (1 of 4 stars; one submission).

Conditions:
Inborn genetic diseases. Identifiers: MedGen C0950123, MeSH D030342.

Submission:

Ambry Genetics
Classification: Uncertain significance for Inborn genetic diseases. Last evaluated: 2025-02-05. Review status: criteria provided, single submitter. Criteria: Ambry Variant Classification Scheme 2023. Collection method: clinical testing. Allele origin: germline.
Comment: The p.G422C variant (also known as c.1264G>T), located in coding exon 6 of the SH2B3 gene, results from a G to T substitution at nucleotide position 1264. The glycine at codon 422 is replaced by cysteine, an amino acid with highly dissimilar properties. This amino acid position is conserved. In addition, this alteration is predicted to be deleterious by in silico analysis. Based on the available evidence, the clinical significance of this variant remains unclear.